The following is an entry in ClinVar:

ClinVar aggregate classification (germline): Uncertain significance. Review status: criteria provided, multiple submitters, no conflicts (2 of 4 stars). 2 submissions from 2 submitters: Uncertain significance (2). Last evaluated 2025-08-11.

Conditions:
Rubinstein-Taybi syndrome (RSTS). Identifiers: Orphanet 783, MedGen C0035934, MONDO:0019188.

Submissions (2):

GeneDx
Classification: Uncertain significance. Last evaluated: 2025-08-11. Review status: criteria provided, single submitter. Criteria: GeneDx Variant Classification Process June 2021. Collection method: clinical testing. Allele origin: germline. Affected: yes.
Comment: Not observed at significant frequency in large population cohorts (gnomAD); In silico analysis supports that this missense variant has a deleterious effect on protein structure/function; Has not been previously published as pathogenic or benign to our knowledge

Labcorp Genetics (formerly Invitae), Labcorp
Classification: Uncertain significance for Rubinstein-Taybi syndrome. Last evaluated: 2022-12-04. Review status: criteria provided, single submitter. Criteria: Invitae Variant Classification Sherloc (09022015). Collection method: clinical testing. Allele origin: germline.
Comment: This sequence change replaces arginine, which is basic and polar, with leucine, which is neutral and non-polar, at codon 1964 of the CREBBP protein (p.Arg1964Leu). In summary, the available evidence is currently insufficient to determine the role of this variant in disease. Therefore, it has been classified as a Variant of Uncertain Significance. Advanced modeling of protein sequence and biophysical properties (such as structural, functional, and spatial information, amino acid conservation, physicochemical variation, residue mobility, and thermodynamic stability) performed at Invitae indicates that this missense variant is not expected to disrupt CREBBP protein function. This variant has not been reported in the literature in individuals affected with CREBBP-related conditions. This variant is not present in population databases (gnomAD no frequency).

NM_004380.3(CREBBP):c.5891G>T (p.Arg1964Leu)

Gene: CREBBP (CREB binding lysine acetyltransferase; minus strand). Cytogenetic location: 16p13.3.
Variant type: single nucleotide variant.
Coding change: c.5891G>T on transcript NM_004380.3 (MANE Select); coding-DNA position 5891, G replaced by T.
Protein change: p.Arg1964Leu; replaces arginine 1964 with leucine.
Molecular consequence: missense variant.
Genome position (GRCh38, 1-based): chr16:3,729,156, C>A on the plus strand (G>T on the coding strand, the complement: CREBBP is on the minus strand). VCF-style: chr16-3729156-C-A. GRCh37 (hg19) VCF-style: chr16-3779157-C-A.
Other names: c.5777G>T, p.Arg1926Leu (NM_001079846.1); c.5891G>T (NM_004380.2); short protein forms R1926L, R1964L.
Identifiers: ClinVar variation 2804983 (VCV002804983.3), dbSNP rs867327595, ClinGen allele CA394555064.
Genomic context (GRCh38, chr16:3,729,156, plus strand): 5'-CCTGGGGGCATGCTGTTGTTGATGTTCACCCGGTACAGGTGCTGCTGCTGCTGGGCCTCA[C>A]GCTCGATCTGCCGAGCCGCTTCCACCGCTGCAGGAGGGGGCTGGGCCGGGGGTGGGGGGG-3'
Protein context (NP_004371.2, residues 1954-1974): AAVEAARQIE[Arg1964Leu]EAQQQQHLYR